The following is an entry in ClinVar:

NM_006206.6(PDGFRA):c.3129G>T (p.Gln1043His)

Gene: PDGFRA (platelet derived growth factor receptor alpha; plus strand). Cytogenetic location: 4q12.
Variant type: single nucleotide variant.
Coding change: c.3129G>T on transcript NM_006206.6 (MANE Select); coding-DNA position 3129, G replaced by T.
Protein change: p.Gln1043His; replaces glutamine 1043 with histidine.
Molecular consequence: missense variant.
Genome position (GRCh38, 1-based): chr4:54,295,131, G>T. VCF-style: chr4-54295131-G-T. GRCh37 (hg19) VCF-style: chr4-55161298-G-T.
Other names: c.3204G>T, p.Gln1068His (NM_001347828.2); c.3129G>T, p.Gln1043His (NM_001347829.2); c.3168G>T, p.Gln1056His (NM_001347830.2); short protein forms Q1043H, Q1056H, Q1068H.
Identifiers: ClinVar variation 822957 (VCV000822957.4), dbSNP rs1577755464, ClinGen allele CA356896454.

ClinVar aggregate classification (germline): Uncertain significance (1 of 4 stars; one submission).

Conditions:
Hereditary cancer-predisposing syndrome. Also called: Tumor predisposition; Hereditary Cancer Syndrome; Neoplastic Syndromes, Hereditary; Hereditary neoplastic syndrome. Identifiers: Orphanet 140162, MedGen C0027672, MeSH D009386, MONDO:0015356.

Submission:

Ambry Genetics
Classification: Uncertain significance for Hereditary cancer-predisposing syndrome. Last evaluated: 2019-10-30. Review status: criteria provided, single submitter. Criteria: Ambry Variant Classification Scheme 2023. Collection method: clinical testing. Allele origin: germline.
Comment: The p.Q1043H variant (also known as c.3129G>T), located in coding exon 22 of the PDGFRA gene, results from a G to T substitution at nucleotide position 3129. The glutamine at codon 1043 is replaced by histidine, an amino acid with highly similar properties. This amino acid position is highly conserved in available vertebrate species. In addition, the in silico prediction for this alteration is inconclusive. Since supporting evidence is limited at this time, the clinical significance of this alteration remains unclear.